The following is an entry in ClinVar:

NM_014391.3(ANKRD1):c.806G>A (p.Arg269Gln)

Gene: ANKRD1 (ankyrin repeat domain 1; minus strand). Cytogenetic location: 10q23.31.
Variant type: single nucleotide variant.
Coding change: c.806G>A on transcript NM_014391.3 (MANE Select); coding-DNA position 806, G replaced by A.
Protein change: p.Arg269Gln; replaces arginine 269 with glutamine.
Molecular consequence: missense variant.
Genome position (GRCh38, 1-based): chr10:90,915,586, C>T on the plus strand (G>A on the coding strand, the complement: ANKRD1 is on the minus strand). VCF-style: chr10-90915586-C-T. GRCh37 (hg19) VCF-style: chr10-92675343-C-T.
Other names: short protein forms R269Q.
Identifiers: ClinVar variation 520516 (VCV000520516.14), dbSNP rs367609929, ClinGen allele CA5598603.

ClinVar aggregate classification (germline): Uncertain significance. Review status: criteria provided, multiple submitters, no conflicts (2 of 4 stars). 4 submissions from 4 submitters: Uncertain significance (4). Last evaluated 2026-06-02.

Conditions:
ANKRD1-related disorder. Also called: ANKRD1-related condition.
Cardiovascular phenotype. Identifiers: MedGen CN230736.
ANKRD1-related dilated cardiomyopathy. Identifiers: MedGen CN119551.
Left ventricular noncompaction. Identifiers: Orphanet 54260, MedGen C1960469, MONDO:0018901, HP:0030682.

Allele frequency attached by ClinVar (database versions not stated): TOPMed 0.00009; ESP Exome Variant Server 0.00015; ExAC 0.00002; gnomAD exomes 0.00002; gnomAD 0.00007 and 0.00009.

Submissions (4):

PreventionGenetics, part of Exact Sciences
Classification: Uncertain significance for ANKRD1-related condition. Last evaluated: 2026-06-02. Review status: criteria provided, single submitter. Criteria: ACMG Guidelines, 2015. Collection method: clinical testing. Allele origin: germline.
Comment: The ANKRD1 c.806G>A variant is predicted to result in the amino acid substitution p.Arg269Gln. To our knowledge, this variant has not been reported in the literature. This variant is reported in 0.044% of alleles in individuals of African descent in gnomAD. At this time, the clinical significance of this variant is uncertain due to the absence of conclusive functional and genetic evidence.

Labcorp Genetics (formerly Invitae), Labcorp
Classification: Uncertain significance for ANKRD1-related dilated cardiomyopathy. Last evaluated: 2025-11-01. Review status: criteria provided, single submitter. Criteria: Invitae Variant Classification Sherloc (09022015). Collection method: clinical testing. Allele origin: germline.
Comment: This sequence change replaces arginine, which is basic and polar, with glutamine, which is neutral and polar, at codon 269 of the ANKRD1 protein (p.Arg269Gln). This variant is present in population databases (rs367609929, gnomAD 0.05%), and has an allele count higher than expected for a pathogenic variant. This variant has not been reported in the literature in individuals affected with ANKRD1-related conditions. ClinVar contains an entry for this variant (Variation ID: 520516). Invitae Evidence Modeling of protein sequence and biophysical properties (such as structural, functional, and spatial information, amino acid conservation, physicochemical variation, residue mobility, and thermodynamic stability) indicates that this missense variant is not expected to disrupt ANKRD1 protein function with a negative predictive value of 80%. In summary, the available evidence is currently insufficient to determine the role of this variant in disease. Therefore, it has been classified as a Variant of Uncertain Significance.

Ambry Genetics
Classification: Uncertain significance for Cardiovascular phenotype. Last evaluated: 2025-01-28. Review status: criteria provided, single submitter. Criteria: Ambry Variant Classification Scheme 2023. Collection method: clinical testing. Allele origin: germline.
Comment: The p.R269Q variant (also known as c.806G>A), located in coding exon 8 of the ANKRD1 gene, results from a G to A substitution at nucleotide position 806. The arginine at codon 269 is replaced by glutamine, an amino acid with highly similar properties. This amino acid position is well conserved in available vertebrate species. In addition, this alteration is predicted to be tolerated by in silico analysis. Since supporting evidence is limited at this time, the clinical significance of this alteration remains unclear.

Molecular Diagnostic Laboratory for Inherited Cardiovascular Disease, Montreal Heart Institute
Classification: Uncertain significance for Left ventricular noncompaction. Last evaluated: 2017-05-23. Review status: criteria provided, single submitter. Criteria: ACMG Guidelines, 2015. Collection method: clinical testing. Allele origin: germline. Affected: yes.